The following is an entry in ClinVar:

ClinVar aggregate classification (germline): Uncertain significance (1 of 4 stars; one submission).

Conditions:
POLD1-related polyposis and colorectal cancer syndrome (CRCS10). Also called: Colorectal cancer 10; COLORECTAL CANCER, SUSCEPTIBILITY TO, ON CHROMOSOME 19q; Colorectal cancer, susceptibility to, 10. Identifiers: Orphanet 220460, MedGen C2675481, MONDO:0012953, OMIM 612591.

Submission:

Labcorp Genetics (formerly Invitae), Labcorp
Classification: Uncertain significance for POLD1-related polyposis and colorectal cancer syndrome. Last evaluated: 2019-11-16. Review status: criteria provided, single submitter. Criteria: Invitae Variant Classification Sherloc (09022015). Collection method: clinical testing. Allele origin: germline.
Comment: This variant has not been reported in the literature in individuals with POLD1-related conditions. ClinVar contains an entry for this variant (Variation ID: 469256). This variant is not present in population databases (ExAC no frequency). This sequence change replaces leucine with valine at codon 80 of the POLD1 protein (p.Leu80Val). The leucine residue is weakly conserved and there is a small physicochemical difference between leucine and valine. Algorithms developed to predict the effect of missense changes on protein structure and function output the following: SIFT: "Tolerated"; PolyPhen-2: "Benign"; Align-GVGD: "Class C0". The valine amino acid residue is found in multiple mammalian species, suggesting that this missense change does not adversely affect protein function. These predictions have not been confirmed by published functional studies and their clinical significance is uncertain. In summary, the available evidence is currently insufficient to determine the role of this variant in disease. Therefore, it has been classified as a Variant of Uncertain Significance.

NM_002691.4(POLD1):c.238C>G (p.Leu80Val)

Gene: POLD1 (DNA polymerase delta 1, catalytic subunit; plus strand). Cytogenetic location: 19q13.33.
Variant type: single nucleotide variant.
Coding change: c.238C>G on transcript NM_002691.4 (MANE Select); coding-DNA position 238, C replaced by G.
Protein change: p.Leu80Val; replaces leucine 80 with valine.
Molecular consequence: missense variant. On other transcripts: non-coding transcript variant (1).
Genome position (GRCh38, 1-based): chr19:50,399,406, C>G. VCF-style: chr19-50399406-C-G. GRCh37 (hg19) VCF-style: chr19-50902663-C-G.
Other names: c.238C>G, p.Leu80Val (NM_001256849.1, NM_001308632.1); short protein forms L80V.
Identifiers: ClinVar variation 469256 (VCV000469256.10), dbSNP rs1555789219, ClinGen allele CA406970446.
Genomic context (GRCh38, chr19:50,399,406, plus strand): 5'-CCACTTCCTTCCCTTCCCCCACCAGGGCAGGTCCCACCATCAGCCATAGATCCTCGCTGG[C>G]TTCGGCCCACACCACCAGCGCTGGACCCCCAGACAGAGCCCCTCATCTTCCAACAGTTGG-3'
Protein context (NP_002682.2, residues 70-90): VPPSAIDPRW[Leu80Val]RPTPPALDPQ